The following is an entry in ClinVar:

ClinVar aggregate classification (germline): Uncertain significance (1 of 4 stars; one submission).

Conditions:
Wieacker-Wolff syndrome, female-restricted (WRWFFR). Identifiers: MedGen C5393303, MONDO:0026762, OMIM 301041.

Submission:

Neuberg Centre For Genomic Medicine, NCGM
Classification: Uncertain significance for Wieacker-Wolff syndrome, female-restricted. Review status: criteria provided, single submitter. Criteria: ACMG Guidelines, 2015. Collection method: clinical testing. Allele origin: germline. Inheritance: X-linked inheritance. Affected: yes.
Comment: The inframe deletion variant c.218_220del (p.Ile73del) in ZC4H2 gene has not been reported previously as a pathogenic variant nor as a benign variant, to our knowledge. The p.Ile73del variant is novel (not in any individuals) in gnomAD Exomes and 1000 Genomes. This p.Ile73del causes deletion of amino acid Isoleucine at position 73. However, as this is an in-frame deletion, it is not expected to result in either a truncated protein product or loss of protein through nonsense-mediated mRNA decay. The p.I73del variant is not in a repeat region. The p.I73del variant results in a deletion of 3 bases that are predicted conserved by GERP++ and PhyloP. The nucleotide c.218 in ZC4H2 is predicted conserved by GERP++ and PhyloP across 100 vertebrates. For these reasons, this variant has been classified as Uncertain Significance.

NM_018684.4(ZC4H2):c.218_220del (p.Ile73del)

Gene: ZC4H2 (zinc finger C4H2-type containing; minus strand). Cytogenetic location: Xq11.2.
Variant type: Deletion.
Coding change: c.218_220del on transcript NM_018684.4 (MANE Select); coding-DNA positions 218 to 220, 3 bases deleted (TCA; older notation c.218_220delTCA).
Protein change: p.Ile73del; deletes isoleucine 73.
Molecular consequence: inframe deletion. On other transcripts: non-coding transcript variant (1).
Genome position (GRCh38, 1-based): chrX:64,921,822-64,921,824, TGA deleted on the plus strand (TCA on the coding strand, the reverse complement: ZC4H2 is on the minus strand); deleting any 3 consecutive bases within chrX:64,921,822-64,921,826 gives the same sequence; the c. name uses the placement nearest the transcript's 3' end. VCF-style (leftmost placement, unchanged base first): chrX-64921821-TTGA-T. GRCh37 (hg19) VCF-style: chrX-64141701-TTGA-T.
Other names: c.149_151del, p.Ile50del (NM_001178032.3, NM_001243804.2); c.218_220del, p.Ile73del (NM_001178033.3); short protein forms I50del, I73del.
Identifiers: ClinVar variation 2585507 (VCV002585507.1), dbSNP rs2519696199, ClinGen allele CA2582342918.